The following is an entry in ClinVar:

NM_005051.3(QARS1):c.316G>A (p.Asp106Asn)

Gene: QARS1 (glutaminyl-tRNA synthetase 1; minus strand). Cytogenetic location: 3p21.31.
Variant type: single nucleotide variant.
Coding change: c.316G>A on transcript NM_005051.3 (MANE Select); coding-DNA position 316, G replaced by A.
Protein change: p.Asp106Asn; replaces aspartic acid 106 with asparagine.
Molecular consequence: missense variant. On other transcripts: non-coding transcript variant (1).
Genome position (GRCh38, 1-based): chr3:49,103,922, C>T on the plus strand (G>A on the coding strand, the complement: QARS1 is on the minus strand). VCF-style: chr3-49103922-C-T. GRCh37 (hg19) VCF-style: chr3-49141355-C-T.
Other names: c.283G>A, p.Asp95Asn (NM_001272073.2); short protein forms D106N, D95N.
Identifiers: ClinVar variation 409237 (VCV000409237.17), dbSNP rs141983717, ClinGen allele CA2392217.
Genomic context (GRCh38, chr3:49,103,922, plus strand): 5'-CAGCCTCCTCAATCTGCTCTGGGGTCACAATGACACCCACGCCACATTCCCGCTCGAAGT[C>T]CACAGTGTCGATGGGGTCCAAGGGGTGACTCCGCACATACTCAAGGGCAGCTGAGAAGAA-3'
Protein context (NP_005042.1, residues 96-116): SHPLDPIDTV[Asp106Asn]FERECGVGVI

ClinVar aggregate classification (germline): Conflicting classifications of pathogenicity. Review status: criteria provided, conflicting classifications (1 of 4 stars). 6 submissions from 6 submitters: Uncertain significance (5); Likely benign (1). Last evaluated 2025-10-14.

Conditions:
Diffuse cerebral and cerebellar atrophy - intractable seizures - progressive microcephaly syndrome. Also called: Microcephaly, progressive, with seizures and cerebral and cerebellar atrophy. Identifiers: Orphanet 404437, MedGen C4014239, MONDO:0014335, OMIM 615760.

Allele frequency attached by ClinVar (database versions not stated): gnomAD exomes 0.00021 and 0.00027; ESP Exome Variant Server 0.00023; ExAC 0.00032; gnomAD 0.00034 and 0.00038; 1000 Genomes Project 0.00060; 1000 Genomes Project 30x 0.00062; TOPMed 0.00063.
gnomAD v4.1: 372 of 1,614,078 alleles (0.023%); highest among the groups gnomAD compares: Middle Eastern, 0.45%; 1 homozygote.

Submissions (6):

GeneDx
Classification: Uncertain significance. Last evaluated: 2025-10-14. Review status: criteria provided, single submitter. Criteria: GeneDx Variant Classification Process June 2021. Collection method: clinical testing. Allele origin: germline. Affected: yes.
Comment: Observed in heterozygous state in an individual with neuronal seroid lipofuscinosis, epilepsy, and vermis hypoplasia, who also harbored a heterozygous variant in CNTNAP2 (PMID: 33528079); In silico analysis suggests that this missense variant does not alter protein structure/function; This variant is associated with the following publications: (PMID: 25888430, 34406647, 25471517, 33528079, Hussein2023[Preprint])

Laboratory of Genetics, Children's Clinical University Hospital Latvia
Classification: Likely benign. Last evaluated: 2025-02-16. Review status: criteria provided, single submitter. Criteria: ACMG Guidelines, 2015. Collection method: clinical testing. Allele origin: germline. Affected: yes.

Labcorp Genetics (formerly Invitae), Labcorp
Classification: Uncertain significance for Diffuse cerebral and cerebellar atrophy - intractable seizures - progressive microcephaly syndrome. Last evaluated: 2022-10-25. Review status: criteria provided, single submitter. Criteria: Invitae Variant Classification Sherloc (09022015). Collection method: clinical testing. Allele origin: germline.
Comment: This sequence change replaces aspartic acid, which is acidic and polar, with asparagine, which is neutral and polar, at codon 106 of the QARS protein (p.Asp106Asn). This variant is present in population databases (rs141983717, gnomAD 0.04%). This variant has not been reported in the literature in individuals affected with QARS-related conditions. ClinVar contains an entry for this variant (Variation ID: 409237). Algorithms developed to predict the effect of missense changes on protein structure and function (SIFT, PolyPhen-2, Align-GVGD) all suggest that this variant is likely to be tolerated. In summary, the available evidence is currently insufficient to determine the role of this variant in disease. Therefore, it has been classified as a Variant of Uncertain Significance.

Centre of Medical Genetics, University Hospital Muenster
Classification: Uncertain significance. Last evaluated: 2021-12-20. Review status: criteria provided, single submitter. Criteria: ACMG Guidelines, 2015. Collection method: clinical testing. Allele origin: unknown. Affected: yes. Observed: 1 variant allele, 1 homozygote.
Comment: ACMG categories: PM2

Fulgent Genetics
Classification: Uncertain significance for Diffuse cerebral and cerebellar atrophy - intractable seizures - progressive microcephaly syndrome. Last evaluated: 2021-09-13. Review status: criteria provided, single submitter. Criteria: ACMG Guidelines, 2015. Collection method: clinical testing. Allele origin: unknown.

Breakthrough Genomics
Classification: Uncertain significance. Review status: criteria provided, single submitter. Criteria: ACMG Guidelines, 2015. Collection method: not provided. Allele origin: germline. Inheritance: Autosomal recessive inheritance. Affected: yes.